The following is an entry in ClinVar:

ClinVar aggregate classification (germline): Uncertain significance (1 of 4 stars; one submission).

Submission:

GeneDx
Classification: Uncertain significance. Last evaluated: 2022-08-17. Review status: criteria provided, single submitter. Criteria: GeneDx Variant Classification Process June 2021. Collection method: clinical testing. Allele origin: germline. Affected: yes.
Comment: Not observed at significant frequency in large population cohorts (gnomAD); In silico analysis supports that this missense variant does not alter protein structure/function; Has not been previously published as pathogenic or benign to our knowledge

NM_007254.4(PNKP):c.1019C>A (p.Ala340Asp)

Gene: PNKP (polynucleotide kinase 3'-phosphatase; minus strand). Cytogenetic location: 19q13.33.
Variant type: single nucleotide variant.
Coding change: c.1019C>A on transcript NM_007254.4 (MANE Select); coding-DNA position 1019, C replaced by A.
Protein change: p.Ala340Asp; replaces alanine 340 with aspartic acid.
Molecular consequence: missense variant.
Genome position (GRCh38, 1-based): chr19:49,862,381, G>T on the plus strand (C>A on the coding strand, the complement: PNKP is on the minus strand). VCF-style: chr19-49862381-G-T. GRCh37 (hg19) VCF-style: chr19-50365638-G-T.
Other names: short protein forms A340D.
Identifiers: ClinVar variation 2430527 (VCV002430527.1), dbSNP rs758602427, ClinGen allele CA406880637.